The following is an entry in ClinVar:

NM_005228.5(EGFR):c.2471G>A (p.Gly824Asp)

Gene: EGFR (epidermal growth factor receptor; plus strand). Cytogenetic location: 7p11.2.
Variant type: single nucleotide variant.
Coding change: c.2471G>A on transcript NM_005228.5 (MANE Select); coding-DNA position 2471, G replaced by A.
Protein change: p.Gly824Asp; replaces glycine 824 with aspartic acid.
Molecular consequence: missense variant.
Genome position (GRCh38, 1-based): chr7:55,191,720, G>A. VCF-style: chr7-55191720-G-A. GRCh37 (hg19) VCF-style: chr7-55259413-G-A.
Other names: c.2336G>A, p.Gly779Asp (NM_001346897.2, NM_001346899.2); c.2471G>A, p.Gly824Asp (NM_001346898.2); c.2312G>A, p.Gly771Asp (NM_001346900.2); c.1670G>A, p.Gly557Asp (NM_001346941.2); short protein forms G824D, G779D, G771D, G557D.
Identifiers: ClinVar variation 126517 (VCV000126517.3), dbSNP rs483352808, ClinGen allele CA151169.

ClinVar aggregate classification (germline): drug response (0 of 4 stars; one submission).

Conditions:
Squamous cell carcinoma of the head and neck (HNSCC). Also called: Squamous cell carcinoma, head and neck, somatic; Head and neck squamous cell carcinoma. Identifiers: Orphanet 67037, MedGen C1168401, MeSH D000077195, MONDO:0010150, OMIM 275355, HP:0020357.

Allele frequency attached by ClinVar (database versions not stated): ExAC 0.00001.

Submission:

Genetics, Bhagwan Mahavir Medical Research Centre
Classification: drug response for Squamous cell carcinoma of the head and neck. Review status: no assertion criteria provided. Collection method: not provided. Allele origin: unknown.
ClinVar note: Converted during submission from drug-response to drug response.